The following is an entry in ClinVar:

NM_004727.3(SLC24A1):c.1890+5G>A

Gene: SLC24A1 (solute carrier family 24 member 1; plus strand). Cytogenetic location: 15q22.31.
Variant type: single nucleotide variant.
Coding change: c.1890+5G>A on transcript NM_004727.3 (MANE Select); 5 bases into the intron after coding-DNA position 1890, G replaced by A.
Molecular consequence: intron variant.
Genome position (GRCh38, 1-based): chr15:65,625,975, G>A. VCF-style: chr15-65625975-G-A. GRCh37 (hg19) VCF-style: chr15-65918313-G-A.
Other names: c.1890+5G>A (NM_001301033.2, NM_001301031.1, NM_001301032.1).
Identifiers: ClinVar variation 2073890 (VCV002073890.4), dbSNP rs1377692290, ClinGen allele CA714921591.
Genomic context (GRCh38, chr15:65,625,975, plus strand): 5'-AGCAGCTCAGCAGGAGGCCAGTGGCCAAGGTCATGGCCTTAGAAGACCTCAGCAAGGTAA[G>A]GACAAATTGGCTCAGGTTTCTCTAGCCCCTTTGAGATGAAAGGATGTGGCGAAGCCAGGA-3'

ClinVar aggregate classification (germline): Uncertain significance (1 of 4 stars; one submission).

Allele frequency attached by ClinVar (database versions not stated): gnomAD 0.00001; gnomAD exomes 0.00001; TOPMed 0.00002.
gnomAD v4.1: 10 of 1,606,758 alleles (0.00062%); highest among the groups gnomAD compares: African/African-American, 0.0067%; no homozygotes.

Submission:

Labcorp Genetics (formerly Invitae), Labcorp
Classification: Uncertain significance. Last evaluated: 2024-04-22. Review status: criteria provided, single submitter. Criteria: Invitae Variant Classification Sherloc (09022015). Collection method: clinical testing. Allele origin: germline.
Comment: This sequence change falls in intron 2 of the SLC24A1 gene. It does not directly change the encoded amino acid sequence of the SLC24A1 protein. It affects a nucleotide within the consensus splice site. This variant is not present in population databases (gnomAD no frequency). This variant has not been reported in the literature in individuals affected with SLC24A1-related conditions. ClinVar contains an entry for this variant (Variation ID: 2073890). Variants that disrupt the consensus splice site are a relatively common cause of aberrant splicing (PMID: 17576681, 9536098). Algorithms developed to predict the effect of sequence changes on RNA splicing suggest that this variant is not likely to affect RNA splicing. In summary, the available evidence is currently insufficient to determine the role of this variant in disease. Therefore, it has been classified as a Variant of Uncertain Significance.

Literature cited by the submitters: PubMed 17576681; PubMed 9536098.